The following is an entry in ClinVar:

ClinVar aggregate classification (germline): Uncertain significance (1 of 4 stars; one submission).

Submission:

Women's Health and Genetics/Laboratory Corporation of America, LabCorp
Classification: Uncertain significance. Last evaluated: 2024-09-23. Review status: criteria provided, single submitter. Criteria: LabCorp Variant Classification Summary - May 2015. Collection method: clinical testing. Allele origin: germline.
Comment: Variant summary: JAK2 c.983T>C (p.Ile328Thr) results in a non-conservative amino acid change located in the FERM domain (IPR000299) of the encoded protein sequence. Four of five in-silico tools predict a damaging effect of the variant on protein function. The variant was absent in 249800 control chromosomes (gnomAD). The available data on variant occurrences in the general population are insufficient to allow any conclusion about variant significance. To our knowledge, no occurrence of c.983T>C in individuals affected with JAK2-Related Disorders and no experimental evidence demonstrating its impact on protein function have been reported. No submitters have cited clinical-significance assessments for this variant to ClinVar. Based on the evidence outlined above, the variant was classified as uncertain significance.

NM_004972.4(JAK2):c.983T>C (p.Ile328Thr)

Genes: INSL6 (insulin like 6; minus strand), JAK2 (Janus kinase 2; plus strand). Cytogenetic location: 9p24.1.
Variant type: single nucleotide variant.
Coding change: c.983T>C on transcript NM_004972.4 (MANE Select); coding-DNA position 983, T replaced by C.
Protein change: p.Ile328Thr; replaces isoleucine 328 with threonine.
Molecular consequence: missense variant. On other transcripts: 5 prime UTR variant (2), non-coding transcript variant (2).
Genome position (GRCh38, 1-based): chr9:5,055,715, T>C. VCF-style: chr9-5055715-T-C. GRCh37 (hg19) VCF-style: chr9-5055715-T-C.
Other names: c.983T>C, p.Ile328Thr (NM_001322194.2, NM_001322195.2, NM_001322196.2); c.-233T>C (NM_001322198.2, NM_001322199.2); c.536T>C, p.Ile179Thr (NM_001322204.2); short protein forms I179T, I328T.
Identifiers: ClinVar variation 3375294 (VCV003375294.1).